The following is an entry in ClinVar:

NM_024422.6(DSC2):c.1009A>G (p.Thr337Ala)

Gene: DSC2 (desmocollin 2; minus strand). Cytogenetic location: 18q12.1.
Variant type: single nucleotide variant.
Coding change: c.1009A>G on transcript NM_024422.6 (MANE Select); coding-DNA position 1009, A replaced by G.
Protein change: p.Thr337Ala; replaces threonine 337 with alanine.
Molecular consequence: missense variant.
Genome position (GRCh38, 1-based): chr18:31,082,994, T>C on the plus strand (A>G on the coding strand, the complement: DSC2 is on the minus strand). VCF-style: chr18-31082994-T-C. GRCh37 (hg19) VCF-style: chr18-28662960-T-C.
Other names: c.580A>G, p.Thr194Ala (NM_001406506.1, NM_001406507.1); c.1009A>G, p.Thr337Ala (NM_004949.5); short protein forms T194A, T337A.
Identifiers: ClinVar variation 3074776 (VCV003074776.1), dbSNP rs2510948941, ClinGen allele CA402110673.

ClinVar aggregate classification (germline): Uncertain significance (1 of 4 stars; one submission).

Conditions:
Familial isolated arrhythmogenic right ventricular dysplasia. Identifiers: Orphanet 217656, MedGen C4274968, MONDO:0016342.

Submission:

All of Us Research Program, National Institutes of Health
Classification: Uncertain significance for Familial isolated arrhythmogenic right ventricular dysplasia. Last evaluated: 2023-12-13. Review status: criteria provided, single submitter. Criteria: ACMG Guidelines, 2015. Collection method: clinical testing. Allele origin: germline. Inheritance: Autosomal dominant inheritance. Observed: 1 variant allele, 1 heterozygote.
Comment: This missense variant replaces threonine with alanine at codon 337 of the DSC2 protein. Computational prediction suggests that this variant may not impact protein structure and function (internally defined REVEL score threshold <= 0.5, PMID: 27666373). To our knowledge, functional studies have not been reported for this variant. This variant has not been reported in individuals affected with DSC2-related disorders in the literature. This variant has not been identified in the general population by the Genome Aggregation Database (gnomAD). The available evidence is insufficient to determine the role of this variant in disease conclusively. Therefore, this variant is classified as a Variant of Uncertain Significance.

This study involves interpretation of variants in research participants for the purpose of population health screening. Participant phenotype was not available at the time of variant classification. Additional details can be found in publication PMID: 35346344, PMCID: PMC8962531